The following is an entry in ClinVar:

NM_001009999.3(KDM1A):c.990+16T>C

Gene: KDM1A (lysine demethylase 1A; plus strand). Cytogenetic location: 1p36.12.
Variant type: single nucleotide variant.
Coding change: c.990+16T>C on transcript NM_001009999.3 (MANE Select); 16 bases into the intron after coding-DNA position 990, T replaced by C.
Molecular consequence: intron variant.
Genome position (GRCh38, 1-based): chr1:23,056,054, T>C. VCF-style: chr1-23056054-T-C. GRCh37 (hg19) VCF-style: chr1-23382547-T-C.
Other names: c.990+16T>C (NM_001410762.1); c.930+16T>C (NM_001363654.2, NM_001410763.1, NM_015013.4).
Identifiers: ClinVar variation 2805023 (VCV002805023.3), dbSNP rs2522695293, ClinGen allele CA2644024545.

ClinVar aggregate classification (germline): Uncertain significance (1 of 4 stars; one submission).

Submission:

Labcorp Genetics (formerly Invitae), Labcorp
Classification: Uncertain significance. Last evaluated: 2023-08-10. Review status: criteria provided, single submitter. Criteria: Invitae Variant Classification Sherloc (09022015). Collection method: clinical testing. Allele origin: germline.
Comment: In summary, the available evidence is currently insufficient to determine the role of this variant in disease. Therefore, it has been classified as a Variant of Uncertain Significance. Algorithms developed to predict the effect of sequence changes on RNA splicing suggest that this variant may create or strengthen a splice site. This variant has not been reported in the literature in individuals affected with KDM1A-related conditions. This variant is not present in population databases (gnomAD no frequency). This sequence change falls in intron 7 of the KDM1A gene. It does not directly change the encoded amino acid sequence of the KDM1A protein.